The following is an entry in ClinVar:

NM_001377142.1(PLCB4):c.3408+11T>C

Gene: PLCB4 (phospholipase C beta 4; plus strand). Cytogenetic location: 20p12.2.
Variant type: single nucleotide variant.
Coding change: c.3408+11T>C on transcript NM_001377142.1 (MANE Select); 11 bases into the intron after coding-DNA position 3408, T replaced by C.
Molecular consequence: intron variant.
Genome position (GRCh38, 1-based): chr20:9,472,858, T>C. VCF-style: chr20-9472858-T-C. GRCh37 (hg19) VCF-style: chr20-9453505-T-C.
Other names: c.3372+11T>C (NM_001377134.2, NM_000933.4, NM_182797.3 and 2 more transcripts); c.3408+11T>C (NM_001377143.1, NM_001172646.2).
Identifiers: ClinVar variation 339592 (VCV000339592.8), dbSNP rs762636208, ClinGen allele CA9761680.

ClinVar aggregate classification (germline): Likely benign. Review status: criteria provided, multiple submitters, no conflicts (2 of 4 stars). 2 submissions from 2 submitters: Likely benign (2). Last evaluated 2023-07-26.

Conditions:
Auriculocondylar syndrome 2 (ARCND2A). Also called: AURICULOCONDYLAR SYNDROME 2A. Identifiers: Orphanet 137888, MedGen C3553404, MONDO:0013845, OMIM 614669.

Allele frequency attached by ClinVar (database versions not stated): gnomAD 0.00003; gnomAD exomes 0.00003 and 0.00005; TOPMed 0.00003; ExAC 0.00005.
gnomAD v4.1: 50 of 1,518,640 alleles (0.0033%); highest among the groups gnomAD compares: Middle Eastern, 0.017%; no homozygotes.

Submissions (2):

Labcorp Genetics (formerly Invitae), Labcorp
Classification: Likely benign. Last evaluated: 2023-07-26. Review status: criteria provided, single submitter. Criteria: Invitae Variant Classification Sherloc (09022015). Collection method: clinical testing. Allele origin: germline.

Illumina Laboratory Services, Illumina
Classification: Likely benign for Auriculocondylar syndrome 2. Last evaluated: 2018-01-13. Review status: criteria provided, single submitter. Criteria: ICSL Variant Classification Criteria 13 December 2019. Collection method: clinical testing. Allele origin: germline.
Comment: This variant was observed in the ICSL laboratory as part of a predisposition screen in an ostensibly healthy population. It had not been previously curated by ICSL or reported in the Human Gene Mutation Database (HGMD: prior to June 1st, 2018), and was therefore a candidate for classification through an automated scoring system. Utilizing variant allele frequency, disease prevalence and penetrance estimates, and inheritance mode, an automated score was calculated to assess if this variant is too frequent to cause the disease. Based on the score and internal cut-off values, a variant classified as likely benign is not then subjected to further curation. The score for this variant resulted in a classification of likely benign for this disease.